The following is an entry in ClinVar:

NM_002282.3(KRT83):c.239C>G (p.Pro80Arg)

Gene: KRT83 (keratin 83; minus strand). Cytogenetic location: 12q13.13.
Variant type: single nucleotide variant.
Coding change: c.239C>G on transcript NM_002282.3 (MANE Select); coding-DNA position 239, C replaced by G.
Protein change: p.Pro80Arg; replaces proline 80 with arginine.
Molecular consequence: missense variant.
Genome position (GRCh38, 1-based): chr12:52,321,097, G>C on the plus strand (C>G on the coding strand, the complement: KRT83 is on the minus strand). VCF-style: chr12-52321097-G-C. GRCh37 (hg19) VCF-style: chr12-52714881-G-C.
Other names: short protein forms P80R.
Identifiers: ClinVar variation 2985103 (VCV002985103.3), dbSNP rs150875897, ClinGen allele CA237179679.
Genomic context (GRCh38, chr12:52,321,097, plus strand): 5'-ATCTCCAGGTTGAGGGGCGTGAGGAGGCTCTCGTTGACCGACACGGTGGTGATGCATGGG[G>C]GGCTGGGTCCGCACACGCCCCCGGAGCGGTAGCCGAAGCTGCGTCCGCAGGAGCCGGCGC-3'
Protein context (NP_002273.3, residues 70-90): YRSGGVCGPS[Pro80Arg]PCITTVSVNE

ClinVar aggregate classification (germline): Uncertain significance (1 of 4 stars; one submission).

Submission:

Labcorp Genetics (formerly Invitae), Labcorp
Classification: Uncertain significance. Last evaluated: 2023-05-15. Review status: criteria provided, single submitter. Criteria: Invitae Variant Classification Sherloc (09022015). Collection method: clinical testing. Allele origin: germline.
Comment: This sequence change replaces proline, which is neutral and non-polar, with arginine, which is basic and polar, at codon 80 of the KRT83 protein (p.Pro80Arg). This variant is present in population databases (no rsID available, gnomAD 0.0009%). This variant has not been reported in the literature in individuals affected with KRT83-related conditions. An algorithm developed to predict the effect of missense changes on protein structure and function (PolyPhen-2) suggests that this variant is likely to be tolerated. In summary, the available evidence is currently insufficient to determine the role of this variant in disease. Therefore, it has been classified as a Variant of Uncertain Significance.